The following is an entry in ClinVar:

NM_000051.4(ATM):c.8585-19T>C

Genes: ATM (ATM serine/threonine kinase; plus strand), C11orf65 (chromosome 11 open reading frame 65; minus strand). Cytogenetic location: 11q22.3.
Variant type: single nucleotide variant.
Coding change: c.8585-19T>C on transcript NM_000051.4 (MANE Select); 19 bases into the intron before coding-DNA position 8585, T replaced by C.
Molecular consequence: intron variant.
Genome position (GRCh38, 1-based): chr11:108,347,260, T>C. VCF-style: chr11-108347260-T-C. GRCh37 (hg19) VCF-style: chr11-108217987-T-C.
Other names: c.8585-19T>C (NM_001351834.2); c.641-38189A>G (NM_001330368.2); c.695-11968A>G (NM_001351110.2).
Identifiers: ClinVar variation 1597936 (VCV001597936.47), dbSNP rs2137076742, ClinGen allele CA2573146478.

ClinVar aggregate classification (germline): Likely benign. Review status: criteria provided, multiple submitters, no conflicts (2 of 4 stars). 2 submissions from 2 submitters: Likely benign (2). Last evaluated 2025-12-28.

Conditions:
Familial cancer of breast. Also called: BREAST CANCER, FAMILIAL; Hereditary breast cancer; hereditary breast carcinoma. Identifiers: Orphanet 227535, MedGen C0346153, MONDO:0016419, OMIM 114480. Disease mechanism: loss of function.
Ataxia-telangiectasia syndrome (AT). Also called: LOUIS-BAR SYNDROME; Cerebello-oculocutaneous telangiectasia; Immunodeficiency with ataxia telangiectasia; Ataxia telangiectasia (A-T); Ataxia-telangiectasia, complementation group D; AT, COMPLEMENTATION GROUP C. Identifiers: Orphanet 100, MedGen C0004135, MONDO:0008840, OMIM 208900.

Allele frequency attached by ClinVar (database versions not stated): gnomAD exomes below 0.00001.
gnomAD v4.1: 6 of 1,542,098 alleles (0.00039%); highest among the groups gnomAD compares: Non-Finnish European, 0.00045%; no homozygotes.

Submissions (2):

Labcorp Genetics (formerly Invitae), Labcorp
Classification: Likely benign for Ataxia-telangiectasia syndrome. Last evaluated: 2025-12-28. Review status: criteria provided, single submitter. Criteria: Invitae Variant Classification Sherloc (09022015). Collection method: clinical testing. Allele origin: germline.

Myriad Genetics, Inc.
Classification: Likely benign for Familial cancer of breast. Last evaluated: 2024-06-20. Review status: criteria provided, single submitter. Criteria: Myriad Autosomal Dominant, Autosomal Recessive and X-Linked Classification Criteria (2023). Collection method: clinical testing. Allele origin: unknown.
Comment: This variant is considered likely benign. This variant is intronic and is not expected to impact mRNA splicing.